The following is an entry in ClinVar:

NM_021098.3(CACNA1H):c.4390A>T (p.Thr1464Ser)

Gene: CACNA1H (calcium voltage-gated channel subunit alpha1 H; plus strand). Cytogenetic location: 16p13.3.
Variant type: single nucleotide variant.
Coding change: c.4390A>T on transcript NM_021098.3 (MANE Select); coding-DNA position 4390, A replaced by T.
Protein change: p.Thr1464Ser; replaces threonine 1464 with serine.
Molecular consequence: missense variant.
Genome position (GRCh38, 1-based): chr16:1,211,520, A>T. VCF-style: chr16-1211520-A-T. GRCh37 (hg19) VCF-style: chr16-1261520-A-T.
Other names: c.4390A>T, p.Thr1464Ser (NM_001005407.2); short protein forms T1464S.
Identifiers: ClinVar variation 1320462 (VCV001320462.2), dbSNP rs1969448609, ClinGen allele CA394178971.

ClinVar aggregate classification (germline): Uncertain significance (1 of 4 stars; one submission).

Allele frequency attached by ClinVar (database versions not stated): TOPMed 0.00001.

Submission:

GeneDx
Classification: Uncertain significance. Last evaluated: 2021-01-08. Review status: criteria provided, single submitter. Criteria: GeneDx Variant Classification Process June 2021. Collection method: clinical testing. Allele origin: germline. Affected: yes.
Comment: Not observed in large population cohorts (Lek et al., 2016); In silico analysis supports that this missense variant has a deleterious effect on protein structure/function; In-silico analysis, which includes splice predictors and evolutionary conservation, is inconclusive as to whether the variant alters gene splicing. In the absence of RNA/functional studies, the actual effect of this sequence change is unknown.; Has not been previously published as pathogenic or benign to our knowledge